The following is an entry in ClinVar:

NM_001102608.3(COL6A6):c.2717G>A (p.Arg906His)

Gene: COL6A6 (collagen type VI alpha 6 chain; plus strand). Cytogenetic location: 3q22.1.
Variant type: single nucleotide variant.
Coding change: c.2717G>A on transcript NM_001102608.3 (MANE Select); coding-DNA position 2717, G replaced by A.
Protein change: p.Arg906His; replaces arginine 906 with histidine.
Molecular consequence: missense variant.
Genome position (GRCh38, 1-based): chr3:130,571,133, G>A. VCF-style: chr3-130571133-G-A. GRCh37 (hg19) VCF-style: chr3-130289977-G-A.
Other names: NM_001102608.3:c.2717G>A; short protein forms R906H.
Identifiers: ClinVar variation 4655736 (VCV004655736.2).
Genomic context (GRCh38, chr3:130,571,133, plus strand): 5'-CTTATACTGCTGAGGCACTGGGCTTCTCAGACCACATGTTCACTGAAGCCCGGGGCAGCC[G>A]CCTGAACAAGGGGGTCCCCCAAGTCCTCATTGTGATCACCGATGGGGAATCCCATGATGC-3'
Protein context (NP_001096078.1, residues 896-916): DHMFTEARGS[Arg906His]LNKGVPQVLI

ClinVar aggregate classification (germline): Uncertain significance. Review status: criteria provided, multiple submitters, no conflicts (2 of 4 stars). 2 submissions from 2 submitters: Uncertain significance (2). Last evaluated 2026-03-05.

Conditions:
Congenital myopathy. Identifiers: Orphanet 97245, MedGen C0270960, MONDO:0019952.

gnomAD v4.1: 17 of 1,613,666 alleles (0.0011%); highest among the groups gnomAD compares: East Asian, 0.0089%; no homozygotes.

Submissions (2):

Broad Center for Mendelian Genomics, Broad Institute of MIT and Harvard
Classification: Uncertain significance for Congenital myopathy. Last evaluated: 2026-03-05. Review status: criteria provided, single submitter. Criteria: ACMG Guidelines, 2015. Collection method: research. Allele origin: germline. Inheritance: Autosomal recessive inheritance. Study: GREGoR Consortium.
Comment: The p.Arg906His variant in COL6A6 has not been previously reported in the literature, but has been identified in 0.009%{4/44880} of East Asian chromosomes by gnomAD. This variant was identified through WGS analysis in the compound heterozygous state with another VUS in an adult with congenital myopathy and joint contractures by the Broad Institute Rare Genomes Project. Computational prediction tools and conservation analyses suggest that this variant may impact the protein, though this information is not predictive enough to determine impact. Furthermore, although other members of the collagen VI family have been associated with myopathy phenotypes, a role for the COL6A6 gene in human disease has not been established. In summary, the clinical significance of this variant is uncertain.

Ambry Genetics
Classification: Uncertain significance. Last evaluated: 2025-11-03. Review status: criteria provided, single submitter. Criteria: Ambry Variant Classification Scheme 2023. Collection method: clinical testing. Allele origin: germline.